The following is an entry in ClinVar:

NM_152419.3(HGSNAT):c.1532G>A (p.Cys511Tyr)

Gene: HGSNAT (heparan-alpha-glucosaminide N-acetyltransferase; plus strand). Cytogenetic location: 8p11.21.
Variant type: single nucleotide variant.
Coding change: c.1532G>A on transcript NM_152419.3 (MANE Select); coding-DNA position 1532, G replaced by A.
Protein change: p.Cys511Tyr; replaces cysteine 511 with tyrosine.
Molecular consequence: missense variant.
Genome position (GRCh38, 1-based): chr8:43,197,015, G>A. VCF-style: chr8-43197015-G-A. GRCh37 (hg19) VCF-style: chr8-43052158-G-A.
Other names: c.1619G>A, p.Cys540Tyr (NM_001363227.2); c.1340G>A, p.Cys447Tyr (NM_001363228.2); c.668G>A, p.Cys223Tyr (NM_001363229.2); c.1532G>A (NM_152419.2); short protein forms C540Y, C511Y, C447Y, C223Y.
Identifiers: ClinVar variation 2113409 (VCV002113409.5), dbSNP rs2487114700, ClinGen allele CA371120317.

ClinVar aggregate classification (germline): Uncertain significance. Review status: criteria provided, single submitter (1 of 4 stars). 2 submissions from 2 submitters: Uncertain significance (1). 1 of the submissions does not count toward it. Last evaluated 2025-01-27.

Conditions:
Mucopolysaccharidosis, MPS-III-C (MPS3C). Also called: SANFILIPPO SYNDROME C; MPS III C; mucopolysaccharidosis type 3C; MUCOPOLYSACCHARIDOSIS, TYPE IIIC; MPS IIIC (Sanfilippo Syndrome Type C); Mucopolysaccharidosis type IIIC (Sanfilippo C). Identifiers: Orphanet 581, Orphanet 79271, MedGen C0086649, MONDO:0009657, OMIM 252930.
Retinitis pigmentosa 73 (RP73). Identifiers: Orphanet 791, MedGen C4225287, MONDO:0014687, OMIM 616544.

Allele frequency attached by ClinVar (database versions not stated): gnomAD exomes below 0.00001.
gnomAD v4.1: 2 of 1,607,078 alleles (0.00012%); highest among the groups gnomAD compares: Non-Finnish European, 0.00017%; no homozygotes.

Submissions (2):

Labcorp Genetics (formerly Invitae), Labcorp
Classification: Uncertain significance for Retinitis pigmentosa 73; Mucopolysaccharidosis, MPS-III-C. Last evaluated: 2025-01-27. Review status: criteria provided, single submitter. Criteria: Invitae Variant Classification Sherloc (09022015). Collection method: clinical testing. Allele origin: germline.
Comment: This sequence change replaces cysteine, which is neutral and slightly polar, with tyrosine, which is neutral and polar, at codon 511 of the HGSNAT protein (p.Cys511Tyr). This variant is not present in population databases (gnomAD no frequency). This variant has not been reported in the literature in individuals affected with HGSNAT-related conditions. ClinVar contains an entry for this variant (Variation ID: 2113409). Invitae Evidence Modeling of protein sequence and biophysical properties (such as structural, functional, and spatial information, amino acid conservation, physicochemical variation, residue mobility, and thermodynamic stability) indicates that this missense variant is not expected to disrupt HGSNAT protein function with a negative predictive value of 95%. In summary, the available evidence is currently insufficient to determine the role of this variant in disease. Therefore, it has been classified as a Variant of Uncertain Significance.

Natera, Inc.
Classification: Uncertain significance for Mucopolysaccharidosis type IIIC. Last evaluated: 2025-03-15. Review status: no assertion criteria provided. Collection method: clinical testing. Allele origin: germline. Not counted in ClinVar's aggregate classification.